The following is an entry in ClinVar:

NM_022489.4(INF2):c.2959C>T (p.Arg987Trp)

Gene: INF2 (inverted formin 2; plus strand). Cytogenetic location: 14q32.33.
Variant type: single nucleotide variant.
Coding change: c.2959C>T on transcript NM_022489.4 (MANE Select); coding-DNA position 2959, C replaced by T.
Protein change: p.Arg987Trp; replaces arginine 987 with tryptophan.
Molecular consequence: missense variant.
Genome position (GRCh38, 1-based): chr14:104,713,525, C>T. VCF-style: chr14-104713525-C-T. GRCh37 (hg19) VCF-style: chr14-105179862-C-T.
Other names: c.2959C>T, p.Arg987Trp (NM_001031714.4); short protein forms R987W.
Identifiers: ClinVar variation 1058188 (VCV001058188.9), dbSNP rs777407891, ClinGen allele CA267330253.

ClinVar aggregate classification (germline): Uncertain significance (1 of 4 stars; one submission).

Conditions:
Charcot-Marie-Tooth disease dominant intermediate E. Also called: CHARCOT-MARIE-TOOTH NEUROPATHY WITH FOCAL SEGMENTAL GLOMERULONEPHRITIS. Identifiers: Orphanet 93114, MedGen C4302667, MONDO:0013758, OMIM 614455.
Focal segmental glomerulosclerosis 5 (FSGS5). Identifiers: Orphanet 656, MedGen C2750475, MONDO:0013191, OMIM 613237.

Allele frequency attached by ClinVar (database versions not stated): gnomAD exomes below 0.00001.

Submission:

Labcorp Genetics (formerly Invitae), Labcorp
Classification: Uncertain significance for Charcot-Marie-Tooth disease dominant intermediate E; Focal segmental glomerulosclerosis 5. Last evaluated: 2020-09-13. Review status: criteria provided, single submitter. Criteria: Invitae Variant Classification Sherloc (09022015). Collection method: clinical testing. Allele origin: germline.
Comment: This variant is not present in population databases (ExAC no frequency). This variant has not been reported in the literature in individuals with INF2-related conditions. Algorithms developed to predict the effect of missense changes on protein structure and function are either unavailable or do not agree on the potential impact of this missense change (SIFT: "Deleterious"; PolyPhen-2: "Not Available"; Align-GVGD: "Class C0"). In summary, the available evidence is currently insufficient to determine the role of this variant in disease. Therefore, it has been classified as a Variant of Uncertain Significance. This sequence change replaces arginine with tryptophan at codon 987 of the INF2 protein (p.Arg987Trp). The arginine residue is moderately conserved and there is a moderate physicochemical difference between arginine and tryptophan.